The following is an entry in ClinVar:

ClinVar aggregate classification (germline): Uncertain significance (1 of 4 stars; one submission).

Allele frequency attached by ClinVar (database versions not stated): gnomAD 0.00003; TOPMed 0.00003; gnomAD exomes below 0.00001.
gnomAD v4.1: 9 of 1,205,034 alleles (0.00075%); highest among the groups gnomAD compares: African/African-American, 0.003%; no homozygotes.

Submission:

Labcorp Genetics (formerly Invitae), Labcorp
Classification: Uncertain significance. Last evaluated: 2025-12-30. Review status: criteria provided, single submitter. Criteria: Invitae Variant Classification Sherloc (09022015). Collection method: clinical testing. Allele origin: germline.
Comment: This sequence change falls in intron 4 of the POLR3F gene. It does not directly change the encoded amino acid sequence of the POLR3F protein. It affects a nucleotide within the consensus splice site. This variant is present in population databases (no rsID available, gnomAD 0.002%). This variant has not been reported in the literature in individuals affected with POLR3F-related conditions. ClinVar contains an entry for this variant (Variation ID: 2904481). Variants that disrupt the consensus splice site are a relatively common cause of aberrant splicing (PMID: 17576681, 9536098). Algorithms developed to predict the effect of sequence changes on RNA splicing suggest that this variant is not likely to affect RNA splicing. In summary, the available evidence is currently insufficient to determine the role of this variant in disease. Therefore, it has been classified as a Variant of Uncertain Significance.

Literature cited by the submitters: PubMed 17576681; PubMed 9536098.

NM_006466.4(POLR3F):c.317-3T>C

Gene: POLR3F (RNA polymerase III subunit F; plus strand). Cytogenetic location: 20p11.23.
Variant type: single nucleotide variant.
Coding change: c.317-3T>C on transcript NM_006466.4 (MANE Select); 3 bases into the intron before coding-DNA position 317, T replaced by C.
Molecular consequence: intron variant.
Genome position (GRCh38, 1-based): chr20:18,475,072, T>C. VCF-style: chr20-18475072-T-C. GRCh37 (hg19) VCF-style: chr20-18455716-T-C.
Other names: c.194-3T>C (NM_001282526.2); c.317-3T>C (NM_001410821.1).
Identifiers: ClinVar variation 2904481 (VCV002904481.3), dbSNP rs1410372131, ClinGen allele CA634859559.
Genomic context (GRCh38, chr20:18,475,072, plus strand): 5'-AGGAATAACATTAAAAATCCATGAAAACCAGAGTTCAACTTATTTTACTTTACTTTCTTA[T>C]AGGAATATGGAGCAGAGATATCCGCTATAAAAGTAATTTGCCATTAACAGAAATCAACAA-3'